The following is an entry in ClinVar:

NM_001080421.3(UNC13A):c.1231G>A (p.Val411Met)

Gene: UNC13A (unc-13 homolog A; minus strand). Cytogenetic location: 19p13.11.
Variant type: single nucleotide variant.
Coding change: c.1231G>A on transcript NM_001080421.3 (MANE Select); coding-DNA position 1231, G replaced by A.
Protein change: p.Val411Met; replaces valine 411 with methionine.
Molecular consequence: missense variant.
Genome position (GRCh38, 1-based): chr19:17,655,935, C>T on the plus strand (G>A on the coding strand, the complement: UNC13A is on the minus strand). VCF-style: chr19-17655935-C-T. GRCh37 (hg19) VCF-style: chr19-17766744-C-T.
Other names: c.1231G>A, p.Val411Met (NM_001387021.1, NM_001387022.1, NM_001387023.1); short protein forms V411M.
Identifiers: ClinVar variation 2346126 (VCV002346126.3), dbSNP rs777984449, ClinGen allele CA9298576.
Genomic context (GRCh38, chr19:17,655,935, plus strand): 5'-CCTGTTACCTCTCCTCGTCCTTGGGTGGCTCAGCCTCAGGGATCTGCTCAGCTGCAGGCA[C>T]CTTGTCGGGCGTGGCTGGCTTGGGGGCCACCTTGGCCATGTCGGGGGCCTCGGTGGGTGC-3'
Protein context (NP_001073890.2, residues 401-421): VAPKPATPDK[Val411Met]PAAEQIPEAE

ClinVar aggregate classification (germline): Conflicting classifications of pathogenicity. Review status: criteria provided, conflicting classifications (1 of 4 stars). 2 submissions from 2 submitters: Uncertain significance (1); Likely benign (1). Last evaluated 2026-09-01.

Allele frequency attached by ClinVar (database versions not stated): TOPMed 0.00002; gnomAD 0.00003; ExAC 0.00013.
gnomAD v4.1: 26 of 1,540,580 alleles (0.0017%); highest among the groups gnomAD compares: Admixed American, 0.048%; no homozygotes.

Submissions (2):

CeGaT Center for Human Genetics Tuebingen
Classification: Likely benign. Last evaluated: 2026-09-01. Review status: criteria provided, single submitter. Criteria: CeGaT Center For Human Genetics Tuebingen Variant Classification Criteria Version 2. Collection method: clinical testing. Allele origin: germline. Affected: yes. Observed: 1 variant allele.
Comment: UNC13A: BP4

Ambry Genetics
Classification: Uncertain significance. Last evaluated: 2021-07-06. Review status: criteria provided, single submitter. Criteria: Ambry Variant Classification Scheme 2023. Collection method: clinical testing. Allele origin: germline.